The following is an entry in ClinVar:

ClinVar aggregate classification (germline): Likely benign. Review status: criteria provided, multiple submitters, no conflicts (2 of 4 stars). 3 submissions from 3 submitters: Likely benign (3). Last evaluated 2025-11-13.

Conditions:
Hereditary cancer-predisposing syndrome. Also called: Neoplastic Syndromes, Hereditary; Tumor predisposition; Hereditary neoplastic syndrome; Hereditary Cancer Syndrome. Identifiers: Orphanet 140162, MedGen C0027672, MeSH D009386, MONDO:0015356.
Hereditary breast ovarian cancer syndrome. Also called: BRCA1- and BRCA2-Associated Hereditary Breast and Ovarian Cancer; Hereditary breast and/or ovarian cancer syndrome; Hereditary breast and ovarian cancer syndrome (HBOC); Breast and ovarian cancer; Hereditary breast and ovarian cancer; Hereditary breast and ovarian cancer syndrome. Identifiers: Orphanet 145, MedGen C0677776, MeSH D061325, MONDO:0003582. Disease mechanism: loss of function.

Submissions (3):

Ambry Genetics
Classification: Likely benign for Hereditary cancer-predisposing syndrome. Last evaluated: 2025-11-13. Review status: criteria provided, single submitter. Criteria: Ambry Variant Classification Scheme 2023. Collection method: clinical testing. Allele origin: germline.

Labcorp Genetics (formerly Invitae), Labcorp
Classification: Likely benign for Hereditary breast ovarian cancer syndrome. Last evaluated: 2021-12-15. Review status: criteria provided, single submitter. Criteria: Invitae Variant Classification Sherloc (09022015). Collection method: clinical testing. Allele origin: germline.

GeneDx
Classification: Likely benign. Last evaluated: 2018-04-26. Review status: criteria provided, single submitter. Criteria: GeneDx Variant Classification (06012015). Collection method: clinical testing. Allele origin: germline. Affected: yes.
Comment: This variant is considered likely benign or benign based on one or more of the following criteria: it is a conservative change, it occurs at a poorly conserved position in the protein, it is predicted to be benign by multiple in silico algorithms, and/or has population frequency not consistent with disease.

NM_000059.4(BRCA2):c.7335T>C (p.Ser2445=)

Gene: BRCA2 (BRCA2 DNA repair associated; plus strand). Cytogenetic location: 13q13.1.
Variant type: single nucleotide variant.
Coding change: c.7335T>C on transcript NM_000059.4 (MANE Select); coding-DNA position 7335, T replaced by C.
Protein change: p.Ser2445=; no amino-acid change (serine 2445 retained).
Molecular consequence: synonymous variant.
Genome position (GRCh38, 1-based): chr13:32,355,188, T>C. VCF-style: chr13-32355188-T-C. GRCh37 (hg19) VCF-style: chr13-32929325-T-C.
Identifiers: ClinVar variation 682563 (VCV000682563.10), dbSNP rs1593918407, ClinGen allele CA483439468.
Genomic context (GRCh38, chr13:32,355,188, plus strand): 5'-TATTAACTTGGAGGAAAACAGACAAAAGCAAAACATTGATGGACATGGCTCTGATGATAG[T>C]AAAAATAAGATTAATGACAATGAGATTCATCAGTTTAACAAAAACAACTCCAATCAAGCA-3'
Protein context (NP_000050.3, residues 2435-2455): QNIDGHGSDD[Ser2445=]KNKINDNEIH